The following is an entry in ClinVar:

ClinVar aggregate classification (germline): Uncertain significance (1 of 4 stars; one submission).

gnomAD v4.1: 1 of 1,613,944 alleles (0.000062%); highest among the groups gnomAD compares: Non-Finnish European, 0.000085%; no homozygotes.

Submission:

Labcorp Genetics (formerly Invitae), Labcorp
Classification: Uncertain significance. Last evaluated: 2026-01-14. Review status: criteria provided, single submitter. Criteria: Invitae Variant Classification Sherloc (09022015). Collection method: clinical testing. Allele origin: germline.
Comment: This sequence change replaces phenylalanine, which is neutral and non-polar, with isoleucine, which is neutral and non-polar, at codon 1561 of the ALPK3 protein (p.Phe1561Ile). This variant is not present in population databases (gnomAD no frequency). This variant has not been reported in the literature in individuals affected with ALPK3-related conditions. Invitae Evidence Modeling of protein sequence and biophysical properties (such as structural, functional, and spatial information, amino acid conservation, physicochemical variation, residue mobility, and thermodynamic stability) indicates that this missense variant is expected to disrupt ALPK3 protein function with a positive predictive value of 80%. In summary, the available evidence is currently insufficient to determine the role of this variant in disease. Therefore, it has been classified as a Variant of Uncertain Significance.

NM_020778.5(ALPK3):c.4075T>A (p.Phe1359Ile)

Gene: ALPK3 (alpha kinase 3; plus strand). Cytogenetic location: 15q25.3.
Variant type: single nucleotide variant.
Coding change: c.4075T>A on transcript NM_020778.5 (MANE Select); coding-DNA position 4075, T replaced by A.
Protein change: p.Phe1359Ile; replaces phenylalanine 1359 with isoleucine.
Molecular consequence: missense variant.
Genome position (GRCh38, 1-based): chr15:84,859,885, T>A. VCF-style: chr15-84859885-T-A. GRCh37 (hg19) VCF-style: chr15-85403116-T-A.
Other names: short protein forms F1359I.
Identifiers: ClinVar variation 4771456 (VCV004771456.1).